The following is an entry in ClinVar:

NM_005263.5(GFI1):c.465C>T (p.Cys155=)

Gene: GFI1 (growth factor independent 1 transcriptional repressor; minus strand). Cytogenetic location: 1p22.1.
Variant type: single nucleotide variant.
Coding change: c.465C>T on transcript NM_005263.5 (MANE Select); coding-DNA position 465, C replaced by T.
Protein change: p.Cys155=; no amino-acid change (cysteine 155 retained).
Molecular consequence: synonymous variant.
Genome position (GRCh38, 1-based): chr1:92,480,922, G>A on the plus strand (C>T on the coding strand, the complement: GFI1 is on the minus strand). VCF-style: chr1-92480922-G-A. GRCh37 (hg19) VCF-style: chr1-92946479-G-A.
Other names: p.Cys155=; c.465C>T, p.Cys155= (NM_001127215.3, NM_001127216.3).
Identifiers: ClinVar variation 211078 (VCV000211078.28), dbSNP rs11164605, ClinGen allele CA207423.

ClinVar aggregate classification (germline): Benign. Review status: criteria provided, multiple submitters, no conflicts (2 of 4 stars). 10 submissions from 10 submitters: Benign (10). Last evaluated 2026-02-04.

Conditions:
Neutropenia, severe congenital, 2, autosomal dominant. Identifiers: Orphanet 486, MedGen C2751288, MONDO:0013139, OMIM 613107.

Allele frequency attached by ClinVar (database versions not stated): gnomAD exomes 0.86197 and 0.81678; ExAC 0.88834; 1000 Genomes Project 30x 0.91849; 1000 Genomes Project 0.91893; gnomAD 0.84576 and 0.85121; ESP Exome Variant Server 0.85188; TOPMed 0.85828.

Submissions (10):

Labcorp Genetics (formerly Invitae), Labcorp
Classification: Benign for Neutropenia, severe congenital, 2, autosomal dominant. Last evaluated: 2026-02-04. Review status: criteria provided, single submitter. Criteria: Invitae Variant Classification Sherloc (09022015). Collection method: clinical testing. Allele origin: germline.

Women's Health and Genetics/Laboratory Corporation of America, LabCorp
Classification: Benign. Last evaluated: 2026-01-21. Review status: criteria provided, single submitter. Criteria: LabCorp Variant Classification Summary - May 2015. Collection method: clinical testing. Allele origin: germline.

ARUP Laboratories, Molecular Genetics and Genomics, ARUP Laboratories
Classification: Benign. Last evaluated: 2025-07-28. Review status: criteria provided, single submitter. Criteria: ARUP Molecular Germline Variant Investigation Process 2024. Collection method: clinical testing. Allele origin: germline.

Blueprint Genetics
Classification: Benign. Last evaluated: 2024-11-26. Review status: criteria provided, single submitter. Criteria: ACMG Guidelines, 2015. Collection method: clinical testing. Allele origin: germline.

Genome-Nilou Lab
Classification: Benign for Neutropenia, severe congenital, 2, autosomal dominant. Last evaluated: 2021-08-10. Review status: criteria provided, single submitter. Criteria: ACMG Guidelines, 2015. Collection method: clinical testing. Allele origin: germline. Affected: no.

Mayo Clinic Laboratories, Mayo Clinic
Classification: Benign. Last evaluated: 2018-03-28. Review status: criteria provided, single submitter. Criteria: ACMG Guidelines, 2015. Collection method: clinical testing. Allele origin: germline. Observed: 1,226 variant alleles.

Laboratory for Molecular Medicine, Mass General Brigham Personalized Medicine
Classification: Benign. Last evaluated: 2016-03-29. Review status: criteria provided, single submitter. Criteria: LMM Criteria. Collection method: clinical testing. Allele origin: germline.
Comment: Variant identified in a genome or exome case(s) and assessed due to predicted null impact of the variant or pathogenic assertions in the literature or databases. Disclaimer: This variant has not undergone full assessment. The following are preliminary notes: Frequency

Genetic Services Laboratory, University of Chicago
Classification: Benign. Last evaluated: 2015-07-17. Review status: criteria provided, single submitter. Criteria: ACMG Guidelines, 2015. Collection method: clinical testing. Allele origin: germline.

Breakthrough Genomics
Classification: Benign. Review status: criteria provided, single submitter. Criteria: ACMG Guidelines, 2015. Collection method: not provided. Allele origin: germline. Inheritance: Autosomal dominant inheritance. Affected: yes.

PreventionGenetics, part of Exact Sciences
Classification: Benign. Review status: criteria provided, single submitter. Criteria: ACMG Guidelines, 2015. Collection method: clinical testing. Allele origin: germline.